The following is an entry in ClinVar:

NM_145068.4(TRPV3):c.*88G>A

Genes: SPATA22 (spermatogenesis associated 22; minus strand), TRPV3 (transient receptor potential cation channel subfamily V member 3; minus strand). Cytogenetic location: 17p13.2.
Variant type: single nucleotide variant.
Coding change: c.*88G>A on transcript NM_145068.4 (MANE Select); 88 bases downstream of the stop codon, G replaced by A.
Molecular consequence: 3 prime UTR variant. On other transcripts: 5 prime UTR variant (2).
Genome position (GRCh38, 1-based): chr17:3,513,829, C>T on the plus strand (G>A on the coding strand, the complement: TRPV3 is on the minus strand). VCF-style: chr17-3513829-C-T. GRCh37 (hg19) VCF-style: chr17-3417123-C-T.
Other names: c.*88G>A (NM_001258205.2); c.-491G>A (NM_001321336.2, NM_001321337.2).
Identifiers: ClinVar variation 322741 (VCV000322741.10), dbSNP rs906418, ClinGen allele CA10645379.

ClinVar aggregate classification (germline): Benign. Review status: criteria provided, multiple submitters, no conflicts (2 of 4 stars). 3 submissions from 3 submitters: Benign (3). Last evaluated 2021-06-19.

Conditions:
Isolated focal non-epidermolytic palmoplantar keratoderma. Also called: Palmoplantar keratoderma, nonepidermolytic, focal 2. Identifiers: Orphanet 448264, MedGen C4225339, MONDO:0014622, OMIM 616400.

Allele frequency attached by ClinVar (database versions not stated): 1000 Genomes Project 30x 0.99547; TOPMed 0.99567; gnomAD 0.99631; gnomAD exomes 0.99961; 1000 Genomes Project 0.99601.
gnomAD v4.1: 1,166,070 of 1,167,046 alleles (100%); highest among the groups gnomAD compares: South Asian, 100%; 582,549 homozygotes.

Submissions (3):

GeneDx
Classification: Benign. Last evaluated: 2021-06-19. Review status: criteria provided, single submitter. Criteria: GeneDx Variant Classification Process June 2021. Collection method: clinical testing. Allele origin: germline. Affected: yes.

Illumina Laboratory Services, Illumina
Classification: Benign for Isolated focal non-epidermolytic palmoplantar keratoderma. Last evaluated: 2018-01-12. Review status: criteria provided, single submitter. Criteria: ICSL Variant Classification Criteria 13 December 2019. Collection method: clinical testing. Allele origin: germline.
Comment: This variant was observed in the ICSL laboratory as part of a predisposition screen in an ostensibly healthy population. It had not been previously curated by ICSL or reported in the Human Gene Mutation Database (HGMD: prior to June 1st, 2018), and was therefore a candidate for classification through an automated scoring system. Utilizing variant allele frequency, disease prevalence and penetrance estimates, and inheritance mode, an automated score was calculated to assess if this variant is too frequent to cause the disease. Based on the score and internal cut-off values, a variant classified as benign is not then subjected to further curation. The score for this variant resulted in a classification of benign for this disease.

Breakthrough Genomics
Classification: Benign. Review status: criteria provided, single submitter. Criteria: ACMG Guidelines, 2015. Collection method: not provided. Allele origin: germline. Inheritance: Autosomal dominant inheritance. Affected: yes.